The following is an entry in ClinVar:

ClinVar aggregate classification (germline): Uncertain significance (1 of 4 stars; one submission).

Conditions:
Hereditary cancer-predisposing syndrome. Also called: Tumor predisposition; Neoplastic Syndromes, Hereditary; Hereditary Cancer Syndrome; Hereditary neoplastic syndrome. Identifiers: Orphanet 140162, MedGen C0027672, MeSH D009386, MONDO:0015356.

Submission:

Ambry Genetics
Classification: Uncertain significance for Hereditary cancer-predisposing syndrome. Last evaluated: 2025-01-14. Review status: criteria provided, single submitter. Criteria: Ambry Variant Classification Scheme 2023. Collection method: clinical testing. Allele origin: germline.
Comment: The p.F173I variant (also known as c.517T>A), located in coding exon 5 of the PMS2 gene, results from a T to A substitution at nucleotide position 517. The phenylalanine at codon 173 is replaced by isoleucine, an amino acid with highly similar properties. This amino acid position is conserved. In addition, this alteration is predicted to be deleterious by in silico analysis. Based on the available evidence, the clinical significance of this variant remains unclear.

NM_000535.7(PMS2):c.517T>A (p.Phe173Ile)

Gene: PMS2 (PMS1 homolog 2, mismatch repair system component; minus strand). Cytogenetic location: 7p22.1.
Variant type: single nucleotide variant.
Coding change: c.517T>A on transcript NM_000535.7 (MANE Select); coding-DNA position 517, T replaced by A.
Protein change: p.Phe173Ile; replaces phenylalanine 173 with isoleucine.
Molecular consequence: missense variant. On other transcripts: 5 prime UTR variant (2), non-coding transcript variant (1), intron variant (1).
Genome position (GRCh38, 1-based): chr7:6,002,473, A>T on the plus strand (T>A on the coding strand, the complement: PMS2 is on the minus strand). VCF-style: chr7-6002473-A-T. GRCh37 (hg19) VCF-style: chr7-6042104-A-T.
Other names: c.112T>A, p.Phe38Ile (NM_001322003.2, NM_001322004.2, NM_001322005.2 and 24 more transcripts); c.517T>A, p.Phe173Ile (NM_001322006.2, NM_001322014.2, NM_001406869.1 and 8 more transcripts); c.199T>A, p.Phe67Ile (NM_001322007.2, NM_001322008.2, NM_001406876.1 and 4 more transcripts); c.-368T>A (NM_001322011.2, NM_001322012.2); c.208T>A, p.Phe70Ile (NM_001322015.2, NM_001406875.1, NM_001406877.1 and 6 more transcripts); c.703T>A, p.Phe235Ile (NM_001406866.1); c.541T>A, p.Phe181Ile (NM_001406868.1); c.250+1499T>A (NM_001406885.1); short protein forms F173I, F70I, F38I, F67I, F235I, F181I.
Identifiers: ClinVar variation 3890984 (VCV003890984.1).